The following is an entry in ClinVar:

NM_000191.3(HMGCL):c.649A>G (p.Met217Val)

Gene: HMGCL (3-hydroxy-3-methylglutaryl-CoA lyase; minus strand). Cytogenetic location: 1p36.11.
Variant type: single nucleotide variant.
Coding change: c.649A>G on transcript NM_000191.3 (MANE Select); coding-DNA position 649, A replaced by G.
Protein change: p.Met217Val; replaces methionine 217 with valine.
Molecular consequence: missense variant.
Genome position (GRCh38, 1-based): chr1:23,808,236, T>C on the plus strand (A>G on the coding strand, the complement: HMGCL is on the minus strand). VCF-style: chr1-23808236-T-C. GRCh37 (hg19) VCF-style: chr1-24134726-T-C.
Other names: c.436A>G, p.Met146Val (NM_001166059.2); short protein forms M146V, M217V.
Identifiers: ClinVar variation 933871 (VCV000933871.10), dbSNP rs767993106, ClinGen allele CA686012.

ClinVar aggregate classification (germline): Conflicting classifications of pathogenicity. Review status: criteria provided, conflicting classifications (1 of 4 stars). 3 submissions from 3 submitters: Likely pathogenic (1); Uncertain significance (1). 1 of the submissions does not count toward it. Last evaluated 2025-09-24.

Conditions:
Long chain 3-hydroxyacyl-CoA dehydrogenase deficiency. Also called: Deficiency of long-chain 3-hydroxyacyl-coenzyme A dehydrogenase; LCHAD Deficiency. Identifiers: Orphanet 5, MedGen C3711645, MONDO:0012173, OMIM 609016.
Deficiency of hydroxymethylglutaryl-CoA lyase (HMGCLD). Also called: Defect in leucine metabolism; 3-hydroxy-3-methylglutaric aciduria; HMGCL DEFICIENCY; HYDROXYMETHYLGLUTARIC ACIDURIA; HMG-CoA LYASE DEFICIENCY. Identifiers: Orphanet 20, MedGen C1533587, MONDO:0009520, OMIM 246450.

Allele frequency attached by ClinVar (database versions not stated): gnomAD exomes below 0.00001 and 0.00001; ExAC 0.00001; gnomAD 0.00001.
gnomAD v4.1: 14 of 1,613,824 alleles (0.00087%); highest among the groups gnomAD compares: East Asian, 0.022%; no homozygotes.

Submissions (3):

Genesolutions, Medical Genetics Institutes, Ho Chi Minh City, Vietnam
Classification: Likely pathogenic for Deficiency of hydroxymethylglutaryl-CoA lyase. Last evaluated: 2025-09-24. Review status: criteria provided, single submitter. Criteria: ACMG Guidelines, 2015. Collection method: clinical testing. Allele origin: germline. Affected: yes.

Labcorp Genetics (formerly Invitae), Labcorp
Classification: Uncertain significance for Deficiency of hydroxymethylglutaryl-CoA lyase. Last evaluated: 2024-04-25. Review status: criteria provided, single submitter. Criteria: Invitae Variant Classification Sherloc (09022015). Collection method: clinical testing. Allele origin: germline.
Comment: This sequence change replaces methionine, which is neutral and non-polar, with valine, which is neutral and non-polar, at codon 217 of the HMGCL protein (p.Met217Val). This variant is present in population databases (rs767993106, gnomAD 0.0009%). This missense change has been observed in individual(s) with sudden unexpected death (PMID: 28747690). ClinVar contains an entry for this variant (Variation ID: 933871). Advanced modeling of protein sequence and biophysical properties (such as structural, functional, and spatial information, amino acid conservation, physicochemical variation, residue mobility, and thermodynamic stability) performed at Invitae indicates that this missense variant is not expected to disrupt HMGCL protein function with a negative predictive value of 80%. In summary, the available evidence is currently insufficient to determine the role of this variant in disease. Therefore, it has been classified as a Variant of Uncertain Significance.

Natera, Inc.
Classification: Uncertain significance for Deficiency of long-chain 3-hydroxyacyl-coenzyme A dehydrogenase. Last evaluated: 2020-04-21. Review status: no assertion criteria provided. Collection method: clinical testing. Allele origin: germline. Not counted in ClinVar's aggregate classification.

Literature cited by the submitters: PubMed 28747690 (cited by Labcorp Genetics (formerly Invitae), Labcorp).